The following is an entry in ClinVar:

ClinVar aggregate classification (germline): Uncertain significance (1 of 4 stars; one submission).

gnomAD v4.1: 3 of 1,614,086 alleles (0.00019%); highest among the groups gnomAD compares: Admixed American, 0.005%; no homozygotes.

Submission:

Labcorp Genetics (formerly Invitae), Labcorp
Classification: Uncertain significance. Last evaluated: 2025-10-27. Review status: criteria provided, single submitter. Criteria: Invitae Variant Classification Sherloc (09022015). Collection method: clinical testing. Allele origin: germline.
Comment: This sequence change replaces serine, which is neutral and polar, with arginine, which is basic and polar, at codon 1095 of the ALPK3 protein (p.Ser1095Arg). This variant is present in population databases (rs767812404, gnomAD 0.009%). This variant has not been reported in the literature in individuals affected with ALPK3-related conditions. Invitae Evidence Modeling of protein sequence and biophysical properties (such as structural, functional, and spatial information, amino acid conservation, physicochemical variation, residue mobility, and thermodynamic stability) indicates that this missense variant is not expected to disrupt ALPK3 protein function with a negative predictive value of 80%. In summary, the available evidence is currently insufficient to determine the role of this variant in disease. Therefore, it has been classified as a Variant of Uncertain Significance.

NM_020778.5(ALPK3):c.2679C>A (p.Ser893Arg)

Gene: ALPK3 (alpha kinase 3; plus strand). Cytogenetic location: 15q25.3.
Variant type: single nucleotide variant.
Coding change: c.2679C>A on transcript NM_020778.5 (MANE Select); coding-DNA position 2679, C replaced by A.
Protein change: p.Ser893Arg; replaces serine 893 with arginine.
Molecular consequence: missense variant.
Genome position (GRCh38, 1-based): chr15:84,857,417, C>A. VCF-style: chr15-84857417-C-A. GRCh37 (hg19) VCF-style: chr15-85400648-C-A.
Other names: short protein forms S893R.
Identifiers: ClinVar variation 4702859 (VCV004702859.1).